The following is an entry in ClinVar:

ClinVar aggregate classification (germline): Uncertain significance (1 of 4 stars; one submission).

Conditions:
Charcot-Marie-Tooth disease axonal type 2O. Also called: CHARCOT-MARIE-TOOTH NEUROPATHY, AXONAL, TYPE 2O; CHARCOT-MARIE-TOOTH DISEASE, AXONAL, AUTOSOMAL DOMINANT, TYPE 2O; Charcot-Marie-Tooth Neuropathy Type 2O; Charcot-Marie-Tooth disease, axonal, type 20. Identifiers: Orphanet 284232, MedGen C3280220, MONDO:0013644, OMIM 614228.

Allele frequency attached by ClinVar (database versions not stated): gnomAD exomes below 0.00001; TOPMed below 0.00001.
gnomAD v4.1: 2 of 1,614,118 alleles (0.00012%); highest among the groups gnomAD compares: Non-Finnish European, 0.00017%; no homozygotes.

Submission:

Labcorp Genetics (formerly Invitae), Labcorp
Classification: Uncertain significance for Charcot-Marie-Tooth disease axonal type 2O. Last evaluated: 2020-11-14. Review status: criteria provided, single submitter. Criteria: Invitae Variant Classification Sherloc (09022015). Collection method: clinical testing. Allele origin: germline.
Comment: This sequence change replaces glycine with serine at codon 4499 of the DYNC1H1 protein (p.Gly4499Ser). The glycine residue is highly conserved and there is a small physicochemical difference between glycine and serine. This variant is not present in population databases (ExAC no frequency). This variant has not been reported in the literature in individuals with DYNC1H1-related conditions. Advanced modeling of protein sequence and biophysical properties (such as structural, functional, and spatial information, amino acid conservation, physicochemical variation, residue mobility, and thermodynamic stability) performed at Invitae indicates that this missense variant is not expected to disrupt DYNC1H1 protein function. In summary, the available evidence is currently insufficient to determine the role of this variant in disease. Therefore, it has been classified as a Variant of Uncertain Significance.

NM_001376.5(DYNC1H1):c.13495G>A (p.Gly4499Ser)

Gene: DYNC1H1 (dynein cytoplasmic 1 heavy chain 1; plus strand). Cytogenetic location: 14q32.31.
Variant type: single nucleotide variant.
Coding change: c.13495G>A on transcript NM_001376.5 (MANE Select); coding-DNA position 13495, G replaced by A.
Protein change: p.Gly4499Ser; replaces glycine 4499 with serine.
Molecular consequence: missense variant.
Genome position (GRCh38, 1-based): chr14:102,049,562, G>A. VCF-style: chr14-102049562-G-A. GRCh37 (hg19) VCF-style: chr14-102515899-G-A.
Other names: short protein forms G4499S.
Identifiers: ClinVar variation 1484263 (VCV001484263.8), dbSNP rs2048775221, ClinGen allele CA391049552.